The following is an entry in ClinVar:

NM_001378969.1(KCND3):c.923_924inv (p.Arg308Pro)

Gene: KCND3 (potassium voltage-gated channel subfamily D member 3; minus strand). Cytogenetic location: 1p13.2.
Variant type: Inversion.
Coding change: c.923_924inv on transcript NM_001378969.1 (MANE Select).
Protein change: p.Arg308Pro; replaces arginine 308 with proline.
Molecular consequence: missense variant.
Genome position: GRCh38 VCF-style: chr1-111981803-CC-GG. GRCh37 (hg19) VCF-style: chr1-112524425-CC-GG.
Other names: c.923_924inv, p.Arg308Pro (NM_001378970.1, NM_004980.5, NM_172198.3); c.923_924delinsCC (NM_004980.4); short protein forms R308P.
Identifiers: ClinVar variation 3365283 (VCV003365283.1).

ClinVar aggregate classification (germline): Uncertain significance (1 of 4 stars; one submission).

Submission:

GeneDx
Classification: Uncertain significance. Last evaluated: 2023-12-01. Review status: criteria provided, single submitter. Criteria: GeneDx Variant Classification Process June 2021. Collection method: clinical testing. Allele origin: germline. Affected: yes.
Comment: Not observed at significant frequency in large population cohorts (gnomAD); In silico analysis supports a deleterious effect on protein structure/function; Has not been previously published as pathogenic or benign to our knowledge